The following is an entry in ClinVar:

NM_000093.5(COL5A1):c.1936-299C>T

Gene: COL5A1 (collagen type V alpha 1 chain; plus strand). Cytogenetic location: 9q34.3.
Variant type: single nucleotide variant.
Coding change: c.1936-299C>T on transcript NM_000093.5 (MANE Select); 299 bases into the intron before coding-DNA position 1936, C replaced by T.
Molecular consequence: intron variant.
Genome position (GRCh38, 1-based): chr9:134,761,626, C>T. VCF-style: chr9-134761626-C-T. GRCh37 (hg19) VCF-style: chr9-137653472-C-T.
Other names: c.1936-299C>T (NM_001278074.1).
Identifiers: ClinVar variation 673287 (VCV000673287.1), dbSNP rs77630402, ClinGen allele CA13077970.
Genomic context (GRCh38, chr9:134,761,626, plus strand): 5'-CCTGAGGGTATGAGCGTGAGGCTGCTTCACCTGGAGCACTTGGGCTGAGGATAGCTCAGA[C>T]CTCGGCTCAGTGTCCTGAGGCTGCCCACATGTGTGGCCCTGCCTTGCGCTGCTGGGTGCT-3'

ClinVar aggregate classification (germline): Benign (1 of 4 stars; one submission).

Allele frequency attached by ClinVar (database versions not stated): gnomAD 0.01931 and 0.02064; 1000 Genomes Project 0.01937; TOPMed 0.02115; 1000 Genomes Project 30x 0.02155.
gnomAD v4.1: 2,915 of 152,314 alleles (1.9%); highest among the groups gnomAD compares: African/African-American, 6.7%; 91 homozygotes.

Submission:

GeneDx
Classification: Benign. Last evaluated: 2018-06-14. Review status: criteria provided, single submitter. Criteria: GeneDx Variant Classification (06012015). Collection method: clinical testing. Allele origin: germline. Affected: yes.
Comment: This variant is considered likely benign or benign based on one or more of the following criteria: it is a conservative change, it occurs at a poorly conserved position in the protein, it is predicted to be benign by multiple in silico algorithms, and/or has population frequency not consistent with disease.